The following is an entry in ClinVar:

ClinVar aggregate classification (germline): Pathogenic (1 of 4 stars; one submission).

Conditions:
Alstrom syndrome (ALMS). Identifiers: Orphanet 64, MedGen C0268425, MONDO:0008763, OMIM 203800.

Submission:

Labcorp Genetics (formerly Invitae), Labcorp
Classification: Pathogenic for Alstrom syndrome. Last evaluated: 2020-08-20. Review status: criteria provided, single submitter. Criteria: Invitae Variant Classification Sherloc (09022015). Collection method: clinical testing. Allele origin: germline.
Comment: For these reasons, this variant has been classified as Pathogenic. Loss-of-function variants in ALMS1 are known to be pathogenic (PMID: 17594715). This variant has not been reported in the literature in individuals with ALMS1-related conditions. This variant is not present in population databases (ExAC no frequency). This sequence change creates a premature translational stop signal (p.Ser2705Profs*5) in the ALMS1 gene. It is expected to result in an absent or disrupted protein product.

Literature cited by the submitters: PubMed 17594715.

NM_001378454.1(ALMS1):c.8109del (p.Ser2704fs)

Gene: ALMS1 (ALMS1 centrosome and basal body associated protein; plus strand). Cytogenetic location: 2p13.1.
Variant type: Deletion.
Coding change: c.8109del on transcript NM_001378454.1 (MANE Select); coding-DNA position 8109, one base deleted (G; older notation c.8109delG).
Protein change: p.Ser2704fs; shifts the reading frame from serine 2704.
Molecular consequence: frameshift variant.
Genome position (GRCh38, 1-based): chr2:73,490,068, G deleted. VCF-style (leftmost placement, unchanged base first): chr2-73490067-CG-C. GRCh37 (hg19) VCF-style: chr2-73717194-CG-C.
Other names: c.8112del, p.Ser2705fs (NM_015120.4); short protein forms S2704fs, S2705fs.
Identifiers: ClinVar variation 1072014 (VCV001072014.7), dbSNP rs2103890652, ClinGen allele CA2499216255.